The following is an entry in ClinVar:

NM_030957.4(ADAMTS10):c.1920G>A (p.Ser640=)

Gene: ADAMTS10 (ADAM metallopeptidase with thrombospondin type 1 motif 10; minus strand). Cytogenetic location: 19p13.2.
Variant type: single nucleotide variant.
Coding change: c.1920G>A on transcript NM_030957.4 (MANE Select); coding-DNA position 1920, G replaced by A.
Protein change: p.Ser640=; no amino-acid change (serine 640 retained).
Molecular consequence: synonymous variant.
Genome position (GRCh38, 1-based): chr19:8,589,566, C>T on the plus strand (G>A on the coding strand, the complement: ADAMTS10 is on the minus strand). VCF-style: chr19-8589566-C-T. GRCh37 (hg19) VCF-style: chr19-8654450-C-T.
Other names: c.381G>A, p.Ser127= (NM_001282352.2); c.1920G>A (NM_030957.3).
Identifiers: ClinVar variation 625880 (VCV000625880.11), dbSNP rs142602984, ClinGen allele CA9160296.

ClinVar aggregate classification (germline): Conflicting classifications of pathogenicity. Review status: criteria provided, conflicting classifications (1 of 4 stars). 3 submissions from 3 submitters: Uncertain significance (1); Likely benign (2). Last evaluated 2026-06-05.

Conditions:
ADAMTS10-related disorder. Also called: ADAMTS10-related condition.
Weill-Marchesani syndrome 1 (WMS1). Also called: ADAMTS10-Related Weill-Marchesani Syndrome; Weill-Marchesani Syndrome, Autosomal Recessive; Weill-Marchesani syndrome 1, recessive. Identifiers: Orphanet 3449, MedGen C4552002, MONDO:0010194, OMIM 277600.

Allele frequency attached by ClinVar (database versions not stated): gnomAD exomes 0.00007; ExAC 0.00013; 1000 Genomes Project 30x 0.00016; 1000 Genomes Project 0.00020; gnomAD 0.00026; TOPMed 0.00030; ESP Exome Variant Server 0.00038.
gnomAD v4.1: 79 of 1,613,402 alleles (0.0049%); highest among the groups gnomAD compares: African/African-American, 0.093%; no homozygotes.

Submissions (3):

PreventionGenetics, part of Exact Sciences
Classification: Likely benign for ADAMTS10-related condition. Last evaluated: 2026-06-05. Review status: criteria provided, single submitter. Criteria: ACMG Guidelines, 2015. Collection method: clinical testing. Allele origin: germline.
Comment: This variant is classified as likely benign based on ACMG/AMP sequence variant interpretation guidelines (Richards et al. 2015 PMID: 25741868, with internal and published modifications).

Labcorp Genetics (formerly Invitae), Labcorp
Classification: Likely benign. Last evaluated: 2026-01-18. Review status: criteria provided, single submitter. Criteria: Invitae Variant Classification Sherloc (09022015). Collection method: clinical testing. Allele origin: germline.

Center for Genomics, Ann and Robert H. Lurie Children's Hospital of Chicago
Classification: Uncertain significance for Weill-Marchesani syndrome 1. Last evaluated: 2021-03-30. Review status: criteria provided, single submitter. Criteria: ACMG Guidelines, 2015. Collection method: clinical testing. Allele origin: germline.
Comment: ADAMTS10 NM_030957 exon 17 p.Ser640= (c. 1920G>A): This variant has not been reported in the literature and is present in 0.08% (20/23914) of African alleles in the Genome Aggregation Database. Evolutionary conservation and computational predictive tools for this variant are limited or unavailable. Of note, this variant is a silent variant and does not change the amino acid, reducing the probability that this variant is disease causing. In summary, data on this variant is insufficient for disease classification. Therefore, the clinical significance of this variant is uncertain.